The following is an entry in ClinVar:

NM_000094.4(COL7A1):c.4818+18T>A

Gene: COL7A1 (collagen type VII alpha 1 chain; minus strand). Cytogenetic location: 3p21.31.
Variant type: single nucleotide variant.
Coding change: c.4818+18T>A on transcript NM_000094.4 (MANE Select); 18 bases into the intron after coding-DNA position 4818, T replaced by A.
Molecular consequence: intron variant.
Genome position (GRCh38, 1-based): chr3:48,581,430, A>T on the plus strand (T>A on the coding strand, the complement: COL7A1 is on the minus strand). VCF-style: chr3-48581430-A-T. GRCh37 (hg19) VCF-style: chr3-48618863-A-T.
Identifiers: ClinVar variation 255111 (VCV000255111.12), dbSNP rs368227259, ClinGen allele CA2379828.

ClinVar aggregate classification (germline): Conflicting classifications of pathogenicity. Review status: criteria provided, conflicting classifications (1 of 4 stars). 4 submissions from 4 submitters: Uncertain significance (1); Benign (1); Likely benign (2). Last evaluated 2026-01-19.

Conditions:
Epidermolysis bullosa pruriginosa. Also called: DEB, PRURIGINOSA; DYSTROPHIC EPIDERMOLYSIS BULLOSA PRURIGINOSA. Identifiers: Orphanet 89843, MedGen C1275114, MONDO:0011398, OMIM 604129.

Allele frequency attached by ClinVar (database versions not stated): ExAC 0.00001; gnomAD 0.00001; gnomAD exomes 0.00001 and 0.00002; TOPMed 0.00003; ESP Exome Variant Server 0.00008.
gnomAD v4.1: 34 of 1,613,884 alleles (0.0021%); highest among the groups gnomAD compares: Non-Finnish European, 0.0028%; no homozygotes.

Submissions (4):

Labcorp Genetics (formerly Invitae), Labcorp
Classification: Likely benign. Last evaluated: 2026-01-19. Review status: criteria provided, single submitter. Criteria: Invitae Variant Classification Sherloc (09022015). Collection method: clinical testing. Allele origin: germline.

Centre for Mendelian Genomics, University Medical Centre Ljubljana
Classification: Uncertain significance for Epidermolysis bullosa pruriginosa. Last evaluated: 2016-01-01. Review status: criteria provided, single submitter. Criteria: ACMG Guidelines, 2015. Collection method: clinical testing. Allele origin: unknown. Affected: yes.
Comment: This variant was classified as: Uncertain significance. The following ACMG criteria were applied in classifying this variant: PM2,PP4,BP6.

GeneDx
Classification: Benign. Last evaluated: 2015-03-03. Review status: criteria provided, single submitter. Criteria: GeneDx Variant Classification Process June 2021. Collection method: clinical testing. Allele origin: germline. Affected: yes.

PreventionGenetics, part of Exact Sciences
Classification: Likely benign. Review status: criteria provided, single submitter. Criteria: ACMG Guidelines, 2015. Collection method: clinical testing. Allele origin: germline.